The following is an entry in ClinVar:

ClinVar aggregate classification (germline): Uncertain significance (1 of 4 stars; one submission).

Allele frequency attached by ClinVar (database versions not stated): gnomAD 0.00009; TOPMed 0.00010; gnomAD exomes 0.00014; ExAC 0.00015; ESP Exome Variant Server 0.00023.
gnomAD v4.1: 220 of 1,613,158 alleles (0.014%); highest among the groups gnomAD compares: East Asian, 0.036%; no homozygotes.

Submission:

Labcorp Genetics (formerly Invitae), Labcorp
Classification: Uncertain significance. Last evaluated: 2025-06-12. Review status: criteria provided, single submitter. Criteria: Invitae Variant Classification Sherloc (09022015). Collection method: clinical testing. Allele origin: germline.
Comment: This sequence change replaces valine, which is neutral and non-polar, with isoleucine, which is neutral and non-polar, at codon 125 of the APRT protein (p.Val125Ile). This variant is present in population databases (rs376629164, gnomAD 0.05%). This variant has not been reported in the literature in individuals affected with APRT-related conditions. ClinVar contains an entry for this variant (Variation ID: 2179325). An algorithm developed to predict the effect of missense changes on protein structure and function outputs the following: PolyPhen-2: "Benign". The isoleucine amino acid residue is found in multiple mammalian species, which suggests that this missense change does not adversely affect protein function. In summary, the available evidence is currently insufficient to determine the role of this variant in disease. Therefore, it has been classified as a Variant of Uncertain Significance.

NM_000485.3(APRT):c.373G>A (p.Val125Ile)

Gene: APRT (adenine phosphoribosyltransferase; minus strand). Cytogenetic location: 16q24.3.
Variant type: single nucleotide variant.
Coding change: c.373G>A on transcript NM_000485.3 (MANE Select); coding-DNA position 373, G replaced by A.
Protein change: p.Val125Ile; replaces valine 125 with isoleucine.
Molecular consequence: missense variant.
Genome position (GRCh38, 1-based): chr16:88,810,097, C>T on the plus strand (G>A on the coding strand, the complement: APRT is on the minus strand). VCF-style: chr16-88810097-C-T. GRCh37 (hg19) VCF-style: chr16-88876505-C-T.
Other names: c.373G>A, p.Val125Ile (NM_001030018.2); short protein forms V125I.
Identifiers: ClinVar variation 2179325 (VCV002179325.2), dbSNP rs376629164, ClinGen allele CA8234431.